The following is an entry in ClinVar:

ClinVar aggregate classification (germline): Benign (0 of 4 stars; one submission).

Conditions:
FNDC3A-related disorder. Also called: FNDC3A-related condition.

Allele frequency attached by ClinVar (database versions not stated): 1000 Genomes Project 30x 0.02452; 1000 Genomes Project 0.02536; TOPMed 0.04334; gnomAD 0.04691; ExAC 0.04956; ESP Exome Variant Server 0.05029; gnomAD exomes 0.06124.
gnomAD v4.1: 94,981 of 1,591,844 alleles (6%); highest among the groups gnomAD compares: Non-Finnish European, 6.8%; 3,224 homozygotes.

Submission:

PreventionGenetics, part of Exact Sciences
Classification: Benign for FNDC3A-related condition. Last evaluated: 2019-12-19. Review status: no assertion criteria provided. Collection method: clinical testing. Allele origin: germline.
Comment: This variant is classified as benign based on ACMG/AMP sequence variant interpretation guidelines (Richards et al. 2015 PMID: 25741868, with internal and published modifications).

NM_001079673.2(FNDC3A):c.3049A>G (p.Thr1017Ala)

Gene: FNDC3A (fibronectin type III domain containing 3A; plus strand). Cytogenetic location: 13q14.2.
Variant type: single nucleotide variant.
Coding change: c.3049A>G on transcript NM_001079673.2 (MANE Select); coding-DNA position 3049, A replaced by G.
Protein change: p.Thr1017Ala; replaces threonine 1017 with alanine.
Molecular consequence: missense variant. On other transcripts: non-coding transcript variant (1).
Genome position (GRCh38, 1-based): chr13:49,201,861, A>G. VCF-style: chr13-49201861-A-G. GRCh37 (hg19) VCF-style: chr13-49775997-A-G.
Other names: c.3049A>G, p.Thr1017Ala (NM_001278438.2); c.2881A>G, p.Thr961Ala (NM_014923.5); short protein forms T1017A, T961A.
Identifiers: ClinVar variation 3059720 (VCV003059720.2), dbSNP rs45604939, ClinGen allele CA6980492.